The following is an entry in ClinVar:

NM_003906.5(MCM3AP):c.721A>G (p.Ile241Val)

Gene: MCM3AP (minichromosome maintenance complex component 3 associated protein; minus strand). Cytogenetic location: 21q22.3.
Variant type: single nucleotide variant.
Coding change: c.721A>G on transcript NM_003906.5 (MANE Select); coding-DNA position 721, A replaced by G.
Protein change: p.Ile241Val; replaces isoleucine 241 with valine.
Molecular consequence: missense variant.
Genome position (GRCh38, 1-based): chr21:46,284,566, T>C on the plus strand (A>G on the coding strand, the complement: MCM3AP is on the minus strand). VCF-style: chr21-46284566-T-C. GRCh37 (hg19) VCF-style: chr21-47704480-T-C.
Other names: short protein forms I241V.
Identifiers: ClinVar variation 1491971 (VCV001491971.8), dbSNP rs142205195, ClinGen allele CA10077286.
Genomic context (GRCh38, chr21:46,284,566, plus strand): 5'-CGCCCAAAACCGCAGATGATACAGGGAAGCTACTGAAGCTATTATTAGAACTTCCAAATA[T>C]TGACTTAGGTCCTCTCTTCTCTTCCTCTACATTTTGGTTTGACAAAGCAGGGGTAAAGGC-3'
Protein context (NP_003897.2, residues 231-251): VEEEKRGPKS[Ile241Val]FGSSNNSFSS

ClinVar aggregate classification (germline): Uncertain significance (1 of 4 stars; one submission).

Allele frequency attached by ClinVar (database versions not stated): gnomAD 0.00001; ExAC 0.00002; gnomAD exomes 0.00002 and 0.00006; TOPMed 0.00003; ESP Exome Variant Server 0.00008.
gnomAD v4.1: 98 of 1,614,090 alleles (0.0061%); highest among the groups gnomAD compares: Non-Finnish European, 0.0077%; no homozygotes.

Submission:

Labcorp Genetics (formerly Invitae), Labcorp
Classification: Uncertain significance. Last evaluated: 2025-02-11. Review status: criteria provided, single submitter. Criteria: Invitae Variant Classification Sherloc (09022015). Collection method: clinical testing. Allele origin: germline.
Comment: This sequence change replaces isoleucine, which is neutral and non-polar, with valine, which is neutral and non-polar, at codon 241 of the MCM3AP protein (p.Ile241Val). This variant is present in population databases (rs142205195, gnomAD 0.003%). This variant has not been reported in the literature in individuals affected with MCM3AP-related conditions. ClinVar contains an entry for this variant (Variation ID: 1491971). An algorithm developed to predict the effect of missense changes on protein structure and function outputs the following: PolyPhen-2: "Benign". The valine amino acid residue is found in multiple mammalian species, which suggests that this missense change does not adversely affect protein function. In summary, the available evidence is currently insufficient to determine the role of this variant in disease. Therefore, it has been classified as a Variant of Uncertain Significance.